The following is an entry in ClinVar:

NM_001367624.2(ZNF469):c.5761G>A (p.Gly1921Ser)

Gene: ZNF469 (zinc finger protein 469; plus strand). Cytogenetic location: 16q24.2.
Variant type: single nucleotide variant.
Coding change: c.5761G>A on transcript NM_001367624.2 (MANE Select); coding-DNA position 5761, G replaced by A.
Protein change: p.Gly1921Ser; replaces glycine 1921 with serine.
Molecular consequence: missense variant.
Genome position (GRCh38, 1-based): chr16:88,433,231, G>A. VCF-style: chr16-88433231-G-A. GRCh37 (hg19) VCF-style: chr16-88499639-G-A.
Other names: NM_001127464.1:c.5677G>A; short protein forms G1921S.
Identifiers: ClinVar variation 1748993 (VCV001748993.2), dbSNP rs758095145, ClinGen allele CA397102240.

ClinVar aggregate classification (germline): Uncertain significance (1 of 4 stars; one submission).

Conditions:
Cardiovascular phenotype. Identifiers: MedGen CN230736.

gnomAD v4.1: 1 of 1,550,234 alleles (0.000065%); highest among the groups gnomAD compares: East Asian, 0.0024%; no homozygotes.

Submission:

Ambry Genetics
Classification: Uncertain significance for Cardiovascular phenotype. Last evaluated: 2021-12-08. Review status: criteria provided, single submitter. Criteria: Ambry Variant Classification Scheme 2023. Collection method: clinical testing. Allele origin: germline.
Comment: The p.G1893S variant (also known as c.5677G>A), located in coding exon 2 of the ZNF469 gene, results from a G to A substitution at nucleotide position 5677. The glycine at codon 1893 is replaced by serine, an amino acid with similar properties. This amino acid position is conserved. In addition, this alteration is predicted to be tolerated by in silico analysis. Since supporting evidence is limited at this time, the clinical significance of this alteration remains unclear.